The following is an entry in ClinVar:

NM_000293.3(PHKB):c.*989A>T

Gene: PHKB (phosphorylase kinase regulatory subunit beta; plus strand). Cytogenetic location: 16q12.1.
Variant type: single nucleotide variant.
Coding change: c.*989A>T on transcript NM_000293.3 (MANE Select); 989 bases downstream of the stop codon, A replaced by T.
Molecular consequence: 3 prime UTR variant.
Genome position (GRCh38, 1-based): chr16:47,700,355, A>T. VCF-style: chr16-47700355-A-T. GRCh37 (hg19) VCF-style: chr16-47734266-A-T.
Other names: c.*989A>T (NM_001031835.3, NM_001363837.1).
Identifiers: ClinVar variation 886898 (VCV000886898.4), dbSNP rs530003571, ClinGen allele CA280740271.
Genomic context (GRCh38, chr16:47,700,355, plus strand): 5'-GCTGAAATCCTGCCACTGCACACCAGCCTGGGTGACAGAGCGAGACTCCATCTCAAAAAA[A>T]AAAAAAAAAAAGAAAAAGAAAAAAATATGTTAAATTTAAGGACTGTTAACCTACGTTCTA-3'

ClinVar aggregate classification (germline): Likely benign (1 of 4 stars; one submission).

Conditions:
Glycogen storage disease IXb (GSD9B). Also called: GLYCOGENOSIS OF LIVER AND MUSCLE, AUTOSOMAL RECESSIVE; GSD IXb; PHOSPHORYLASE KINASE DEFICIENCY OF LIVER AND MUSCLE, AUTOSOMAL RECESSIVE. Identifiers: Orphanet 79240, MedGen C0543514, MONDO:0009868, OMIM 261750.

Allele frequency attached by ClinVar (database versions not stated): 1000 Genomes Project 0.00319; gnomAD 0.00332 and 0.00366; TOPMed 0.00383.

Submission:

Illumina Laboratory Services, Illumina
Classification: Likely benign for Glycogen storage disease IXb. Last evaluated: 2018-01-13. Review status: criteria provided, single submitter. Criteria: ICSL Variant Classification Criteria 13 December 2019. Collection method: clinical testing. Allele origin: germline.
Comment: This variant was observed in the ICSL laboratory as part of a predisposition screen in an ostensibly healthy population. It had not been previously curated by ICSL or reported in the Human Gene Mutation Database (HGMD: prior to June 1st, 2018), and was therefore a candidate for classification through an automated scoring system. Utilizing variant allele frequency, disease prevalence and penetrance estimates, and inheritance mode, an automated score was calculated to assess if this variant is too frequent to cause the disease. Based on the score and internal cut-off values, a variant classified as likely benign is not then subjected to further curation. The score for this variant resulted in a classification of likely benign for this disease.